The following is an entry in ClinVar:

NM_198253.3(TERT):c.1989C>T (p.Ser663=)

Gene: TERT (telomerase reverse transcriptase; minus strand). Cytogenetic location: 5p15.33.
Variant type: single nucleotide variant.
Coding change: c.1989C>T on transcript NM_198253.3 (MANE Select); coding-DNA position 1989, C replaced by T.
Protein change: p.Ser663=; no amino-acid change (serine 663 retained).
Molecular consequence: synonymous variant. On other transcripts: non-coding transcript variant (2).
Genome position (GRCh38, 1-based): chr5:1,279,432, G>A on the plus strand (C>T on the coding strand, the complement: TERT is on the minus strand). VCF-style: chr5-1279432-G-A. GRCh37 (hg19) VCF-style: chr5-1279547-G-A.
Other names: c.1989C>T, p.Ser663= (NM_001193376.3).
Identifiers: ClinVar variation 471845 (VCV000471845.28), dbSNP rs763907027, ClinGen allele CA3184692.

ClinVar aggregate classification (germline): Likely benign. Review status: criteria provided, multiple submitters, no conflicts (2 of 4 stars). 3 submissions from 3 submitters: Likely benign (3). Last evaluated 2025-11-27.

Conditions:
Dyskeratosis congenita. Identifiers: Orphanet 1775, MedGen C0265965, MONDO:0015780.
Idiopathic Pulmonary Fibrosis. Also called: Idiopathic fibrosing alveolitis, chronic form; idiopathic fibrosing alveolitis. Identifiers: Orphanet 2032, MedGen C1800706, MeSH D054990, MONDO:0800504.
Dyskeratosis congenita, autosomal dominant 2. Identifiers: MedGen C3151443, MONDO:0013521, OMIM 613989.

Allele frequency attached by ClinVar (database versions not stated): gnomAD 0.00001 and 0.00002; gnomAD exomes 0.00001 and 0.00002; TOPMed 0.00003; ExAC 0.00006.
gnomAD v4.1: 22 of 1,550,708 alleles (0.0014%); highest among the groups gnomAD compares: Middle Eastern, 0.022%; no homozygotes.

Submissions (3):

Labcorp Genetics (formerly Invitae), Labcorp
Classification: Likely benign for Dyskeratosis congenita, autosomal dominant 2; Idiopathic Pulmonary Fibrosis. Last evaluated: 2025-11-27. Review status: criteria provided, single submitter. Criteria: Invitae Variant Classification Sherloc (09022015). Collection method: clinical testing. Allele origin: germline.

CeGaT Center for Human Genetics Tuebingen
Classification: Likely benign. Last evaluated: 2024-11-01. Review status: criteria provided, single submitter. Criteria: CeGaT Center For Human Genetics Tuebingen Variant Classification Criteria Version 2. Collection method: clinical testing. Allele origin: germline. Affected: yes. Observed: 1 variant allele.
Comment: TERT: BP4, BP7

Ambry Genetics
Classification: Likely benign for Dyskeratosis congenita. Last evaluated: 2022-03-19. Review status: criteria provided, single submitter. Criteria: Ambry Variant Classification Scheme 2023. Collection method: clinical testing. Allele origin: germline.